The following is an entry in ClinVar:

NM_014319.5(LEMD3):c.1125G>A (p.Met375Ile)

Genes: LEMD3 (LEM domain containing 3; plus strand), LOC130008225 (ATAC-STARR-seq lymphoblastoid active region 6608; plus strand). Cytogenetic location: 12q14.3.
Variant type: single nucleotide variant.
Coding change: c.1125G>A on transcript NM_014319.5 (MANE Select); coding-DNA position 1125, G replaced by A.
Protein change: p.Met375Ile; replaces methionine 375 with isoleucine.
Molecular consequence: missense variant.
Genome position (GRCh38, 1-based): chr12:65,170,721, G>A. VCF-style: chr12-65170721-G-A. GRCh37 (hg19) VCF-style: chr12-65564501-G-A.
Other names: c.1125G>A, p.Met375Ile (NM_001167614.2); short protein forms M375I.
Identifiers: ClinVar variation 1509334 (VCV001509334.6), dbSNP rs750150042, ClinGen allele CA6670852.

ClinVar aggregate classification (germline): Uncertain significance (1 of 4 stars; one submission).

Allele frequency attached by ClinVar (database versions not stated): gnomAD exomes below 0.00001; ExAC 0.00001; TOPMed 0.00001.
gnomAD v4.1: 1 of 1,614,194 alleles (0.000062%); highest among the groups gnomAD compares: Admixed American, 0.0017%; no homozygotes.

Submission:

Labcorp Genetics (formerly Invitae), Labcorp
Classification: Uncertain significance. Last evaluated: 2024-09-16. Review status: criteria provided, single submitter. Criteria: Invitae Variant Classification Sherloc (09022015). Collection method: clinical testing. Allele origin: germline.
Comment: This sequence change replaces methionine, which is neutral and non-polar, with isoleucine, which is neutral and non-polar, at codon 375 of the LEMD3 protein (p.Met375Ile). This variant is present in population databases (rs750150042, gnomAD 0.003%). This variant has not been reported in the literature in individuals affected with LEMD3-related conditions. ClinVar contains an entry for this variant (Variation ID: 1509334). Invitae Evidence Modeling of protein sequence and biophysical properties (such as structural, functional, and spatial information, amino acid conservation, physicochemical variation, residue mobility, and thermodynamic stability) indicates that this missense variant is not expected to disrupt LEMD3 protein function with a negative predictive value of 80%. In summary, the available evidence is currently insufficient to determine the role of this variant in disease. Therefore, it has been classified as a Variant of Uncertain Significance.